The following is an entry in ClinVar:

ClinVar aggregate classification (germline): not provided (0 of 4 stars; one submission).

Conditions:
Familial cold autoinflammatory syndrome 1 (FCAS1). Also called: CRYOPYRIN-ASSOCIATED PERIODIC SYNDROME 1; Familial cold inflammatory syndrome 1. Identifiers: Orphanet 47045, MedGen C4551895, MONDO:0007349, OMIM 120100.

Submission:

Unité médicale des maladies autoinflammatoires, CHRU Montpellier
No classification provided. Condition: Familial cold urticaria. Review status: no classification provided. Collection method: not provided. Allele origin: unknown.
Comment: also involved in OMIM 191900 and 607115

NM_001243133.2(NLRP3):c.1438A>T (p.Ile480Phe)

Gene: NLRP3 (NLR family pyrin domain containing 3; plus strand). Cytogenetic location: 1q44.
Variant type: single nucleotide variant.
Coding change: c.1438A>T on transcript NM_001243133.2 (MANE Select); coding-DNA position 1438, A replaced by T.
Protein change: p.Ile480Phe; replaces isoleucine 480 with phenylalanine.
Molecular consequence: missense variant.
Genome position (GRCh38, 1-based): chr1:247,424,887, A>T. VCF-style: chr1-247424887-A-T. GRCh37 (hg19) VCF-style: chr1-247588189-A-T.
Other names: c.1438A>T, p.Ile480Phe (NM_001079821.3, NM_001127461.3, NM_001127462.3 and 1 more transcripts); c.1444A>T, p.Ile482Phe (NM_004895.5); short protein forms I482F, I480F.
Identifiers: ClinVar variation 97933 (VCV000097933.1), dbSNP rs180177482, ClinGen allele CA281213.